The following is an entry in ClinVar:

NM_014391.3(ANKRD1):c.329del (p.Pro110fs)

Gene: ANKRD1 (ankyrin repeat domain 1; minus strand). Cytogenetic location: 10q23.31.
Variant type: Deletion.
Coding change: c.329del on transcript NM_014391.3 (MANE Select); coding-DNA position 329, one base deleted (C; older notation c.329delC).
Protein change: p.Pro110fs; shifts the reading frame from proline 110.
Molecular consequence: frameshift variant.
Genome position (GRCh38, 1-based): chr10:90,919,147, G deleted on the plus strand (C on the coding strand, the reverse complement: ANKRD1 is on the minus strand); the first of 2 consecutive G bases (chr10:90,919,147-90,919,148); deleting either gives the same sequence. VCF-style (leftmost placement, unchanged base first): chr10-90919146-TG-T. GRCh37 (hg19) VCF-style: chr10-92678903-TG-T.
Other names: c.329delC (NM_014391.2); short protein forms P110fs.
Identifiers: ClinVar variation 4845044 (VCV004845044.1).

ClinVar aggregate classification (germline): Uncertain significance (1 of 4 stars; one submission).

Conditions:
Cardiovascular phenotype. Identifiers: MedGen CN230736.

Submission:

Ambry Genetics
Classification: Uncertain significance for Cardiovascular phenotype. Last evaluated: 2026-02-03. Review status: criteria provided, single submitter. Criteria: Ambry Variant Classification Scheme 2023. Collection method: clinical testing. Allele origin: germline.
Comment: The c.329delC variant, located in coding exon 3 of the ANKRD1 gene, results from a deletion of one nucleotide at nucleotide position 329, causing a translational frameshift with a predicted alternate stop codon (p.P110Qfs*16). The evidence for this gene-disease relationship is limited; therefore, the clinical significance of this variant is unclear.